The following is an entry in ClinVar:

ClinVar aggregate classification (germline): Pathogenic. Review status: criteria provided, multiple submitters, no conflicts (2 of 4 stars). 3 submissions from 3 submitters: Pathogenic (2). 1 of the submissions does not count toward it. Last evaluated 2022-01-17.

Conditions:
COL2A1-related disorder. Also called: COL2A1-related condition; COL2A1-related disorders.

Submissions (3):

GeneDx
Classification: Pathogenic. Last evaluated: 2022-01-17. Review status: criteria provided, single submitter. Criteria: GeneDx Variant Classification Process June 2021. Collection method: clinical testing. Allele origin: germline. Affected: yes.
Comment: Occurs in the triple helical domain and replaces the glycine in the canonical Gly-X-Y repeat; missense substitution of a canonical glycine residue is expected to disrupt normal protein folding and function, and this is an established mechanism of disease (Stenson et al., 2014); Not observed at significant frequency in large population cohorts (gnomAD); In silico analysis supports that this missense variant has a deleterious effect on protein structure/function; This variant is associated with the following publications: (PMID: 2572591, 29620724)

Blueprint Genetics
Classification: Pathogenic for COL2A1-related disorders. Last evaluated: 2020-09-04. Review status: criteria provided, single submitter. Criteria: ACMG Guidelines, 2015. Collection method: clinical testing. Allele origin: germline. Affected: yes. Observed: 1 variant allele.

PreventionGenetics, part of Exact Sciences
Classification: Pathogenic for COL2A1-related condition. Last evaluated: 2024-01-15. Review status: no assertion criteria provided. Collection method: clinical testing. Allele origin: germline. Not counted in ClinVar's aggregate classification.
Comment: The COL2A1 c.3427G>A variant is predicted to result in the amino acid substitution p.Gly1143Ser. This variant has been reported in two unrelated individuals with achondrogenesis (Vissing et al. 1989. PubMed ID: 2572591, referred to as p.Gly943Ser; Maddirevula et al. 2018. PubMed ID: 29620724). In one individual, the variant was confirmed to have arisen de novo (Maddirevula et al. 2018. PubMed ID: 29620724). This variant has not been reported in a large population database, indicating this variant is rare. The c.3427G>A (p.Gly1143Ser) variant affects a Glycine residue of the conserved triple helical domain, where substitutions of glycine are usually pathogenic (Barat-Houari et al. 2016. PubMed ID: 26626311). Furthermore, an alternate nucleotide change affecting the same amino acid (p.Gly1143Cys) has been reported in an individual with hypochondrogenesis (Kuivaniemi et al. 1997. PubMed ID: 9101290, referred to as p.Gly943Cys). Taken together, the c.3427G>A (p.Gly1143Ser) variant is interpreted as pathogenic.

NM_001844.5(COL2A1):c.3427G>A (p.Gly1143Ser)

Gene: COL2A1 (collagen type II alpha 1 chain; minus strand). Cytogenetic location: 12q13.11.
Variant type: single nucleotide variant.
Coding change: c.3427G>A on transcript NM_001844.5 (MANE Select); coding-DNA position 3427, G replaced by A.
Protein change: p.Gly1143Ser; replaces glycine 1143 with serine.
Molecular consequence: missense variant.
Genome position (GRCh38, 1-based): chr12:47,976,820, C>T on the plus strand (G>A on the coding strand, the complement: COL2A1 is on the minus strand). VCF-style: chr12-47976820-C-T. GRCh37 (hg19) VCF-style: chr12-48370603-C-T.
Other names: c.3220G>A, p.Gly1074Ser (NM_033150.3); short protein forms G1074S, G1143S.
Identifiers: ClinVar variation 1338881 (VCV001338881.5), dbSNP rs2136518157, ClinGen allele CA384538658.
Genomic context (GRCh38, chr12:47,976,820, plus strand): 5'-GCTCTGTGTGGCAGGAGGCCTCGGGAAGTCCCACGCAGGCAGTGACACTCACAGGAGGGC[C>T]GGGCAGACCCTGCAGACCAGTGAAGCCACGGTGTCCCTTCAGGCCTCTCTCGCCAGGCTC-3'
Protein context (NP_001835.3, residues 1133-1153): RGFTGLQGLP[Gly1143Ser]PPGPSGDQGA